The following is an entry in ClinVar:

NM_000187.4(HGD):c.649+39T>G

Gene: HGD (homogentisate 1,2-dioxygenase; minus strand). Cytogenetic location: 3q13.33.
Variant type: single nucleotide variant.
Coding change: c.649+39T>G on transcript NM_000187.4 (MANE Select); 39 bases into the intron after coding-DNA position 649, T replaced by G.
Molecular consequence: intron variant.
Genome position (GRCh38, 1-based): chr3:120,646,228, A>C on the plus strand (T>G on the coding strand, the complement: HGD is on the minus strand). VCF-style: chr3-120646228-A-C. GRCh37 (hg19) VCF-style: chr3-120365075-A-C.
Identifiers: ClinVar variation 2584711 (VCV002584711.2), dbSNP rs1274321592, ClinGen allele CA2582342879.

ClinVar aggregate classification (germline): Pathogenic (0 of 4 stars; one submission).

Conditions:
Alkaptonuria (AKU). Also called: Alkaptonuric ochronosis; Homogentisic acidura; HOMOGENTISIC ACID OXIDASE DEFICIENCY; Alcaptonuria. Identifiers: Orphanet 56, MedGen C0002066, MONDO:0008753, OMIM 203500.

Submission:

Department Of Human Genetics, Institute Of Clinical And Translational Research, Biomedical Research Center, Slovak Academy Of Sciences
Classification: Pathogenic for Alkaptonuria. Review status: no assertion criteria provided. Collection method: research. Allele origin: germline. Inheritance: Autosomal recessive inheritance. Affected: yes. Observed: 2 variant alleles.
Comment: The effect on splicing has been confirmed by minigene experiments (PMID:30737480). Single base change c.649+39T>G induced aberrant splicing by using a de novo donor splice site created by this variant at position +1 relative to 5′ss consensus sequence that was stronger than the authentic counterparts. This causes the inclusion of part of the intron 9 into the transcript. The variant was originally described in PMID:25681086. It has been submitted to the HGD gene mutation database (DB-ID: AKU_00190).

Literature cited by the submitters: PubMed 25681086.